The following is an entry in ClinVar:

ClinVar aggregate classification (germline): Benign/Likely benign. Review status: criteria provided, multiple submitters, no conflicts (2 of 4 stars). 8 submissions from 8 submitters: Benign (2); Likely benign (5). 1 of the submissions does not count toward it. Last evaluated 2026-03-01.

Conditions:
CCDC50-related disorder. Also called: CCDC50-related condition.

Allele frequency attached by ClinVar (database versions not stated): 1000 Genomes Project 0.00060; 1000 Genomes Project 30x 0.00062; TOPMed 0.00155; gnomAD 0.00160 and 0.00163; gnomAD exomes 0.00171 and 0.00226; ExAC 0.00191; ESP Exome Variant Server 0.00208.
gnomAD v4.1: 3,525 of 1,612,942 alleles (0.22%); highest among the groups gnomAD compares: Non-Finnish European, 0.27%; 7 homozygotes.

Submissions (8):

CeGaT Center for Human Genetics Tuebingen
Classification: Likely benign. Last evaluated: 2026-03-01. Review status: criteria provided, single submitter. Criteria: CeGaT Center For Human Genetics Tuebingen Variant Classification Criteria Version 2. Collection method: clinical testing. Allele origin: germline. Affected: yes. Observed: 3 variant alleles.
Comment: CCDC50: BP4, BP7

Labcorp Genetics (formerly Invitae), Labcorp
Classification: Benign. Last evaluated: 2026-02-01. Review status: criteria provided, single submitter. Criteria: Invitae Variant Classification Sherloc (09022015). Collection method: clinical testing. Allele origin: germline.

Blueprint Genetics
Classification: Likely benign. Last evaluated: 2024-10-14. Review status: criteria provided, single submitter. Criteria: ACMG Guidelines, 2015. Collection method: clinical testing. Allele origin: germline.

GeneDx
Classification: Likely benign. Last evaluated: 2021-01-05. Review status: criteria provided, single submitter. Criteria: GeneDx Variant Classification Process June 2021. Collection method: clinical testing. Allele origin: germline. Affected: yes.

Eurofins Ntd Llc (ga)
Classification: Likely benign. Last evaluated: 2017-07-31. Review status: criteria provided, single submitter. Criteria: EGL Classification Definitions 2015. Collection method: clinical testing. Allele origin: germline. Observed: 1 variant allele, 1 heterozygote.

Laboratory for Molecular Medicine, Mass General Brigham Personalized Medicine
Classification: Benign. Last evaluated: 2012-05-07. Review status: criteria provided, single submitter. Criteria: LMM Criteria. Collection method: clinical testing. Allele origin: germline. Observed: 3 variant alleles.
Comment: "Lys401Lys in Exon 09 of CCDC50: This variant is not expected to have clinical s ignificance because it does not alter an amino acid residue, is not located with in the splice consensus sequence, and has been identified in 0.3% (21/7018) of E uropean American chromosomes from a broad population by the NHLBI Exome Sequenci ng Project (dbSNP rs146511344)."

Breakthrough Genomics
Classification: Likely benign. Review status: criteria provided, single submitter. Criteria: ACMG Guidelines, 2015. Collection method: not provided. Allele origin: germline. Inheritance: Autosomal dominant inheritance. Affected: yes.

PreventionGenetics, part of Exact Sciences
Classification: Likely benign for CCDC50-related condition. Last evaluated: 2020-01-06. Review status: no assertion criteria provided. Collection method: clinical testing. Allele origin: germline. Not counted in ClinVar's aggregate classification.
Comment: This variant is classified as likely benign based on ACMG/AMP sequence variant interpretation guidelines (Richards et al. 2015 PMID: 25741868, with internal and published modifications).

NM_178335.3(CCDC50):c.1203A>G (p.Lys401=)

Gene: CCDC50 (coiled-coil domain containing 50; plus strand). Cytogenetic location: 3q28.
Variant type: single nucleotide variant.
Coding change: c.1203A>G on transcript NM_178335.3 (MANE Select); coding-DNA position 1203, A replaced by G.
Protein change: p.Lys401=; no amino-acid change (lysine 401 retained).
Molecular consequence: synonymous variant.
Genome position (GRCh38, 1-based): chr3:191,380,893, A>G. VCF-style: chr3-191380893-A-G. GRCh37 (hg19) VCF-style: chr3-191098682-A-G.
Other names: c.675A>G, p.Lys225= (NM_174908.4).
Identifiers: ClinVar variation 162861 (VCV000162861.42), dbSNP rs146511344, ClinGen allele CA175452.